The following is an entry in ClinVar:

ClinVar aggregate classification (germline): Likely benign (0 of 4 stars; one submission).

Conditions:
TP63-related disorder. Also called: TP63-Related Disorders; TP63-related condition. Identifiers: MedGen CN380159.

Allele frequency attached by ClinVar (database versions not stated): ExAC 0.00002; gnomAD 0.00002; gnomAD exomes 0.00003; TOPMed 0.00005.
gnomAD v4.1: 43 of 1,613,850 alleles (0.0027%); highest among the groups gnomAD compares: Admixed American, 0.0083%; no homozygotes.

Submission:

PreventionGenetics, part of Exact Sciences
Classification: Likely benign for TP63-related condition. Last evaluated: 2021-11-05. Review status: no assertion criteria provided. Collection method: clinical testing. Allele origin: germline.
Comment: This variant is classified as likely benign based on ACMG/AMP sequence variant interpretation guidelines (Richards et al. 2015 PMID: 25741868, with internal and published modifications).

NM_003722.5(TP63):c.114C>T (p.Ser38=)

Gene: TP63 (tumor protein p63; plus strand). Cytogenetic location: 3q28.
Variant type: single nucleotide variant.
Coding change: c.114C>T on transcript NM_003722.5 (MANE Select); coding-DNA position 114, C replaced by T.
Protein change: p.Ser38=; no amino-acid change (serine 38 retained).
Molecular consequence: synonymous variant.
Genome position (GRCh38, 1-based): chr3:189,737,791, C>T. VCF-style: chr3-189737791-C-T. GRCh37 (hg19) VCF-style: chr3-189455580-C-T.
Other names: c.114C>T, p.Ser38= (NM_001114978.2, NM_001114979.2, NM_001329144.2 and 1 more transcripts); c.108C>T, p.Ser36= (NM_001329964.2).
Identifiers: ClinVar variation 3032212 (VCV003032212.2), dbSNP rs779485146, ClinGen allele CA2752029.